The following is an entry in ClinVar:

NM_000093.5(COL5A1):c.1897G>C (p.Asp633His)

Gene: COL5A1 (collagen type V alpha 1 chain; plus strand). Cytogenetic location: 9q34.3.
Variant type: single nucleotide variant.
Coding change: c.1897G>C on transcript NM_000093.5 (MANE Select); coding-DNA position 1897, G replaced by C.
Protein change: p.Asp633His; replaces aspartic acid 633 with histidine.
Molecular consequence: missense variant.
Genome position (GRCh38, 1-based): chr9:134,758,258, G>C. VCF-style: chr9-134758258-G-C. GRCh37 (hg19) VCF-style: chr9-137650104-G-C.
Other names: c.1897G>C, p.Asp633His (NM_001278074.1); short protein forms D633H.
Identifiers: ClinVar variation 3695810 (VCV003695810.2).

ClinVar aggregate classification (germline): Uncertain significance (1 of 4 stars; one submission).

Conditions:
Ehlers-Danlos syndrome, classic type, 1 (EDSCL1). Also called: EHLERS-DANLOS SYNDROME, GRAVIS TYPE; EHLERS-DANLOS SYNDROME, SEVERE CLASSIC TYPE; Ehlers-Danlos syndrome, type 1; Ehlers-Danlos Syndrome, Classic Type, COL5A1-Related; EDS I. Identifiers: MedGen C0268335, MONDO:0019567, OMIM 130000.

gnomAD v4.1: 2 of 1,614,022 alleles (0.00012%); highest among the groups gnomAD compares: Non-Finnish European, 0.00017%; no homozygotes.

Submission:

Labcorp Genetics (formerly Invitae), Labcorp
Classification: Uncertain significance for Ehlers-Danlos syndrome, classic type, 1. Last evaluated: 2024-04-25. Review status: criteria provided, single submitter. Criteria: Invitae Variant Classification Sherloc (09022015). Collection method: clinical testing. Allele origin: germline.
Comment: This sequence change replaces aspartic acid, which is acidic and polar, with histidine, which is basic and polar, at codon 633 of the COL5A1 protein (p.Asp633His). This variant is not present in population databases (gnomAD no frequency). This variant has not been reported in the literature in individuals affected with COL5A1-related conditions. Advanced modeling of protein sequence and biophysical properties (such as structural, functional, and spatial information, amino acid conservation, physicochemical variation, residue mobility, and thermodynamic stability) has been performed at Invitae for this missense variant, however the output from this modeling did not meet the statistical confidence thresholds required to predict the impact of this variant on COL5A1 protein function. In summary, the available evidence is currently insufficient to determine the role of this variant in disease. Therefore, it has been classified as a Variant of Uncertain Significance.